The following is an entry in ClinVar:

ClinVar aggregate classification (germline): Pathogenic (1 of 4 stars; one submission).

Conditions:
Severe combined immunodeficiency, autosomal recessive, T cell-negative, B cell-negative, NK cell-negative, due to adenosine deaminase deficiency. Also called: ADA-SCID; SCID DUE TO ADA DEFICIENCY; SCID DUE TO ADA DEFICIENCY, EARLY-ONSET; ADA deficiency; Adenosine deaminase deficient severe combined immunodeficiency; Severe combined immunodeficiency due to ADA deficiency. Identifiers: Orphanet 277, MedGen C0392607, MONDO:0007064, OMIM 102700.

Submission:

Myriad Genetics, Inc.
Classification: Pathogenic for Severe combined immunodeficiency, autosomal recessive, T cell-negative, B cell-negative, NK cell-negative, due to adenosine deaminase deficiency. Last evaluated: 2025-10-04. Review status: criteria provided, single submitter. Criteria: Myriad Autosomal Dominant, Autosomal Recessive and X-Linked Classification Criteria (2023). Collection method: clinical testing. Allele origin: unknown.
Comment: NM_000022.2(ADA):c.604C>T(Q202*) is expected to be pathogenic in the context of adenosine deaminase deficiency. This variant is predicted to lead to an abnormal or absent protein product due to the creation of a premature termination codon in ADA, a gene where loss-of-function variants are known to be pathogenic. Please note: this variant was assessed in the context of healthy population screening.

NM_000022.4(ADA):c.604C>T (p.Gln202Ter)

Gene: ADA (adenosine deaminase; minus strand). Cytogenetic location: 20q13.12.
Variant type: single nucleotide variant.
Coding change: c.604C>T on transcript NM_000022.4 (MANE Select); coding-DNA position 604, C replaced by T.
Protein change: p.Gln202Ter; replaces glutamine 202 with a stop codon.
Molecular consequence: nonsense. On other transcripts: non-coding transcript variant (1).
Genome position (GRCh38, 1-based): chr20:44,624,204, G>A on the plus strand (C>T on the coding strand, the complement: ADA is on the minus strand). VCF-style: chr20-44624204-G-A. GRCh37 (hg19) VCF-style: chr20-43252845-G-A.
Other names: c.199C>T, p.Gln67Ter (NM_001322050.2); c.604C>T, p.Gln202Ter (NM_001322051.2); short protein forms Q202*, Q67*.
Identifiers: ClinVar variation 5015048 (VCV005015048.1).